The following is an entry in ClinVar:

ClinVar aggregate classification (germline): Uncertain significance (1 of 4 stars; one submission).

Conditions:
Blau syndrome (BLAUS). Also called: GRANULOMATOSIS, FAMILIAL JUVENILE SYSTEMIC; GRANULOMATOSIS, FAMILIAL, BLAU TYPE; GRANULOMATOUS INFLAMMATORY ARTHRITIS, DERMATITIS, AND UVEITIS, FAMILIAL; JABS SYNDROME; ARTHROCUTANEOUVEAL GRANULOMATOSIS. Identifiers: Orphanet 90340, MedGen C5201146, MONDO:0008523, OMIM 186580.
Regional enteritis. Also called: Enteritis, Granulomatous. Identifiers: MedGen C0678202, MeSH D003424.

Allele frequency attached by ClinVar (database versions not stated): gnomAD exomes 0.00001.
gnomAD v4.1: 7 of 1,613,682 alleles (0.00043%); highest among the groups gnomAD compares: Non-Finnish European, 0.00059%; no homozygotes.

Submission:

Labcorp Genetics (formerly Invitae), Labcorp
Classification: Uncertain significance for Regional enteritis; Blau syndrome. Last evaluated: 2019-12-22. Review status: criteria provided, single submitter. Criteria: Invitae Variant Classification Sherloc (09022015). Collection method: clinical testing. Allele origin: germline.
Comment: In summary, the available evidence is currently insufficient to determine the role of this variant in disease. Therefore, it has been classified as a Variant of Uncertain Significance. The current clinical and genetic evidence is not sufficient to establish whether loss-of-function variants in NOD2 cause disease. This variant has not been reported in the literature in individuals with NOD2-related conditions. This variant is not present in population databases (ExAC no frequency). This sequence change creates a premature translational stop signal (p.Leu500*) in the NOD2 gene. It is expected to result in an absent or disrupted protein product.

NM_001370466.1(NOD2):c.1418T>A (p.Leu473Ter)

Gene: NOD2 (nucleotide binding oligomerization domain containing 2; plus strand). Cytogenetic location: 16q12.1.
Variant type: single nucleotide variant.
Coding change: c.1418T>A on transcript NM_001370466.1 (MANE Select); coding-DNA position 1418, T replaced by A.
Protein change: p.Leu473Ter; replaces leucine 473 with a stop codon.
Molecular consequence: nonsense. On other transcripts: non-coding transcript variant (1).
Genome position (GRCh38, 1-based): chr16:50,711,410, T>A. VCF-style: chr16-50711410-T-A. GRCh37 (hg19) VCF-style: chr16-50745321-T-A.
Other names: c.1418T>A, p.Leu473Ter (NM_001293557.2); c.1499T>A, p.Leu500Ter (NM_022162.3); short protein forms L473*, L500*.
Identifiers: ClinVar variation 834880 (VCV000834880.46), dbSNP rs1964491198, ClinGen allele CA395869053.